The following is an entry in ClinVar:

NM_001292063.2(OTOG):c.3351G>A (p.Pro1117=)

Gene: OTOG (otogelin; plus strand). Cytogenetic location: 11p15.1.
Variant type: single nucleotide variant.
Coding change: c.3351G>A on transcript NM_001292063.2 (MANE Select); coding-DNA position 3351, G replaced by A.
Protein change: p.Pro1117=; no amino-acid change (proline 1117 retained).
Molecular consequence: synonymous variant.
Genome position (GRCh38, 1-based): chr11:17,594,109, G>A. VCF-style: chr11-17594109-G-A. GRCh37 (hg19) VCF-style: chr11-17615656-G-A.
Other names: c.3387G>A, p.Pro1129= (NM_001277269.2).
Identifiers: ClinVar variation 226885 (VCV000226885.45), dbSNP rs146781877, ClinGen allele CA5905726.

ClinVar aggregate classification (germline): Benign/Likely benign. Review status: criteria provided, multiple submitters, no conflicts (2 of 4 stars). 6 submissions from 6 submitters: Benign (4); Likely benign (1). 1 of the submissions does not count toward it. Last evaluated 2025-12-14.

Conditions:
OTOG-related disorder. Also called: OTOG-related condition.

Allele frequency attached by ClinVar (database versions not stated): 1000 Genomes Project 0.00319; 1000 Genomes Project 30x 0.00328; TOPMed 0.00346; gnomAD 0.00622 and 0.00639; gnomAD exomes 0.00645 and 0.00687; ExAC 0.00684.

Submissions (6):

Labcorp Genetics (formerly Invitae), Labcorp
Classification: Benign. Last evaluated: 2025-12-14. Review status: criteria provided, single submitter. Criteria: Invitae Variant Classification Sherloc (09022015). Collection method: clinical testing. Allele origin: germline.

CeGaT Center for Human Genetics Tuebingen
Classification: Likely benign. Last evaluated: 2025-12-01. Review status: criteria provided, single submitter. Criteria: CeGaT Center For Human Genetics Tuebingen Variant Classification Criteria Version 2. Collection method: clinical testing. Allele origin: germline. Affected: yes. Observed: 9 variant alleles.
Comment: OTOG: BP4, BP7, BS2

Athena Diagnostics
Classification: Benign. Last evaluated: 2020-07-09. Review status: criteria provided, single submitter. Criteria: Athena Diagnostics Criteria. Collection method: clinical testing. Allele origin: unknown.

GeneDx
Classification: Benign. Last evaluated: 2019-11-12. Review status: criteria provided, single submitter. Criteria: GeneDx Variant Classification Process June 2021. Collection method: clinical testing. Allele origin: germline. Affected: yes.

Laboratory for Molecular Medicine, Mass General Brigham Personalized Medicine
Classification: Benign. Last evaluated: 2014-11-24. Review status: criteria provided, single submitter. Criteria: LMM Criteria. Collection method: clinical testing. Allele origin: germline. Observed: 5 variant alleles.
Comment: Pro1129Pro in exon 27 of OTOG: This variant is not expected to have clinical sig nificance because it does not alter an amino acid residue and is not located wit hin the splice consensus sequence. It has been identified in 1.1% (8/758) of Eur opean chromosomes from a broad population by the 1000 Genomes Project (w.; dbSNP rs146781877).

PreventionGenetics, part of Exact Sciences
Classification: Benign for OTOG-related condition. Last evaluated: 2019-12-09. Review status: no assertion criteria provided. Collection method: clinical testing. Allele origin: germline. Not counted in ClinVar's aggregate classification.
Comment: This variant is classified as benign based on ACMG/AMP sequence variant interpretation guidelines (Richards et al. 2015 PMID: 25741868, with internal and published modifications).